The following is an entry in ClinVar:

NM_007187.5(WBP4):c.720C>A (p.Val240=)

Gene: WBP4 (WW domain binding protein 4; plus strand). Cytogenetic location: 13q14.11.
Variant type: single nucleotide variant.
Coding change: c.720C>A on transcript NM_007187.5 (MANE Select); coding-DNA position 720, C replaced by A.
Protein change: p.Val240=; no amino-acid change (valine 240 retained).
Molecular consequence: synonymous variant.
Genome position (GRCh38, 1-based): chr13:41,076,201, C>A. VCF-style: chr13-41076201-C-A. GRCh37 (hg19) VCF-style: chr13-41650337-C-A.
Identifiers: ClinVar variation 4822289 (VCV004822289.4).
Genomic context (GRCh38, chr13:41,076,201, plus strand): 5'-CAAATCATCAGATTCGCATAGTGATTCTGATGGGGAACAGGAAGCAGAAGAAGGAGGGGT[C>A]TCTACAGAGACAGAAAAGCCAAAAATAAAGTTTAAGGTAGGTTTTTAAATTTTACTCTTC-3'
Protein context (NP_009118.1, residues 230-250): DGEQEAEEGG[Val240=]STETEKPKIK

ClinVar aggregate classification (germline): Likely benign (1 of 4 stars; one submission).

gnomAD v4.1: 1 of 1,606,044 alleles (0.000062%); no homozygotes.

Submission:

CeGaT Center for Human Genetics Tuebingen
Classification: Likely benign. Last evaluated: 2026-01-01. Review status: criteria provided, single submitter. Criteria: CeGaT Center For Human Genetics Tuebingen Variant Classification Criteria Version 2. Collection method: clinical testing. Allele origin: germline. Affected: yes. Observed: 1 variant allele.
Comment: WBP4: BP4, BP7